The following is an entry in ClinVar:

ClinVar aggregate classification (germline): Uncertain significance. Review status: criteria provided, multiple submitters, no conflicts (2 of 4 stars). 2 submissions from 2 submitters: Uncertain significance (2). Last evaluated 2024-10-15.

Allele frequency attached by ClinVar (database versions not stated): gnomAD exomes 0.00001; TOPMed 0.00001.
gnomAD v4.1: 3 of 1,613,718 alleles (0.00019%); highest among the groups gnomAD compares: Admixed American, 0.005%; no homozygotes.

Submissions (2):

Labcorp Genetics (formerly Invitae), Labcorp
Classification: Uncertain significance. Last evaluated: 2024-10-15. Review status: criteria provided, single submitter. Criteria: Invitae Variant Classification Sherloc (09022015). Collection method: clinical testing. Allele origin: germline.
Comment: This sequence change replaces aspartic acid, which is acidic and polar, with histidine, which is basic and polar, at codon 89 of the KARS protein (p.Asp89His). This variant is present in population databases (no rsID available, gnomAD 0.009%). This variant has not been reported in the literature in individuals affected with KARS-related conditions. ClinVar contains an entry for this variant (Variation ID: 1906989). An algorithm developed to predict the effect of missense changes on protein structure and function (PolyPhen-2) suggests that this variant is likely to be disruptive. In summary, the available evidence is currently insufficient to determine the role of this variant in disease. Therefore, it has been classified as a Variant of Uncertain Significance.

GeneDx
Classification: Uncertain significance. Last evaluated: 2022-10-03. Review status: criteria provided, single submitter. Criteria: GeneDx Variant Classification Process June 2021. Collection method: clinical testing. Allele origin: germline. Affected: yes.
Comment: In silico analysis supports that this missense variant does not alter protein structure/function; Has not been previously published as pathogenic or benign to our knowledge

NM_005548.3(KARS1):c.181G>C (p.Asp61His)

Gene: KARS1 (lysyl-tRNA synthetase 1; minus strand). Cytogenetic location: 16q23.1.
Variant type: single nucleotide variant.
Coding change: c.181G>C on transcript NM_005548.3 (MANE Select); coding-DNA position 181, G replaced by C.
Protein change: p.Asp61His; replaces aspartic acid 61 with histidine.
Molecular consequence: missense variant. On other transcripts: 5 prime UTR variant (1).
Genome position (GRCh38, 1-based): chr16:75,641,605, C>G on the plus strand (G>C on the coding strand, the complement: KARS1 is on the minus strand). VCF-style: chr16-75641605-C-G. GRCh37 (hg19) VCF-style: chr16-75675503-C-G.
Other names: c.265G>C, p.Asp89His (NM_001130089.2); c.-288G>C (NM_001378148.1); short protein forms D89H, D61H.
Identifiers: ClinVar variation 1906989 (VCV001906989.5), dbSNP rs1225131785, ClinGen allele CA396816074.
Genomic context (GRCh38, chr16:75,641,605, plus strand): 5'-GGTGGCCCAGGGAACTCACATTTGGGTCCACGCTCTCTTCCTCAGGACCCACACCATTAT[C>G]AGTGGTGTGGTTGGTGGCAGCAGCAGTGGCTTGGCTTAGCTGTTTCTCACTGAGCTCTTT-3'
Protein context (NP_005539.1, residues 51-71): ATAAATNHTT[Asp61His]NGVGPEEESV